The following is an entry in ClinVar:

ClinVar aggregate classification (germline): Benign. Review status: criteria provided, multiple submitters, no conflicts (2 of 4 stars). 4 submissions from 4 submitters: Benign (4). Last evaluated 2021-07-14.

Conditions:
Systemic lupus erythematosus (SLE). Identifiers: Orphanet 536, MedGen C0024141, MONDO:0007915, OMIM 152700, HP:0002725.
Maturity-onset diabetes of the young type 11. Identifiers: Orphanet 552, MedGen C3150618, MONDO:0013242, OMIM 613375.

Allele frequency attached by ClinVar (database versions not stated): 1000 Genomes Project 0.29712; 1000 Genomes Project 30x 0.30778; TOPMed 0.39768; gnomAD 0.40867 and 0.41611.
gnomAD v4.1: 712,096 of 1,553,642 alleles (46%); highest among the groups gnomAD compares: Non-Finnish European, 50%; 171,828 homozygotes.

Submissions (4):

Genome-Nilou Lab
Classification: Benign for Maturity-onset diabetes of the young type 11. Last evaluated: 2021-07-14. Review status: criteria provided, single submitter. Criteria: ACMG Guidelines, 2015. Collection method: clinical testing. Allele origin: germline. Affected: no.

GeneDx
Classification: Benign. Last evaluated: 2019-04-07. Review status: criteria provided, single submitter. Criteria: GeneDx Variant Classification Process June 2021. Collection method: clinical testing. Allele origin: germline. Affected: yes.

Breakthrough Genomics
Classification: Benign. Review status: criteria provided, single submitter. Criteria: ACMG Guidelines, 2015. Collection method: not provided. Allele origin: germline. Inheritance: Autosomal dominant inheritance. Affected: yes.

Clinical Genomics, Uppaluri K&H Personalized Medicine Clinic
Classification: Benign for Systemic lupus erythematosus. Review status: criteria provided, single submitter. Criteria: K & H Uppaluri Personalized Medicine Clinic Variant Classification & Assertion Criteria_Updated V.1. Collection method: research. Allele origin: unknown.
Comment: BLK gene is associated with Systemic lupus erythematosus, sjogren's syndrome and other systemic inflammatory conditions. However no sufficient evidence is found to ascertain the role of this particular variant rs2245232, yet.

Literature cited by the submitters: PubMed 32313195 (cited by Clinical Genomics, Uppaluri K&H Personalized Medicine Clinic); PubMed 19667185 (cited by Clinical Genomics, Uppaluri K&H Personalized Medicine Clinic); PubMed 18204098 (cited by Clinical Genomics, Uppaluri K&H Personalized Medicine Clinic); PubMed 24023612 (cited by Clinical Genomics, Uppaluri K&H Personalized Medicine Clinic); PubMed 31670388 (cited by Clinical Genomics, Uppaluri K&H Personalized Medicine Clinic).

NM_001715.3(BLK):c.123+88G>T

Gene: BLK (BLK proto-oncogene, Src family tyrosine kinase). Cytogenetic location: 8p23.1.
Variant type: single nucleotide variant.
Coding change: c.123+88G>T on transcript NM_001715.3 (MANE Select); 88 bases into the intron after coding-DNA position 123, G replaced by T.
Molecular consequence: intron variant.
Genome position (GRCh38, 1-based): chr8:11,543,435, G>T. VCF-style: chr8-11543435-G-T. GRCh37 (hg19) VCF-style: chr8-11400944-G-T.
Other names: c.-90-2617G>T (NM_001330465.2).
Identifiers: ClinVar variation 1192424 (VCV001192424.7), dbSNP rs2245232, ClinGen allele CA12829701.